The following is an entry in ClinVar:

NM_020442.6(VARS2):c.1233C>T (p.Ser411=)

Gene: VARS2 (valyl-tRNA synthetase 2, mitochondrial; plus strand). Cytogenetic location: 6p21.33.
Variant type: single nucleotide variant.
Coding change: c.1233C>T on transcript NM_020442.6 (MANE Select); coding-DNA position 1233, C replaced by T.
Protein change: p.Ser411=; no amino-acid change (serine 411 retained).
Molecular consequence: synonymous variant.
Genome position (GRCh38, 1-based): chr6:30,920,156, C>T. VCF-style: chr6-30920156-C-T. GRCh37 (hg19) VCF-style: chr6-30887933-C-T.
Other names: c.813C>T, p.Ser271= (NM_001167733.3); c.1323C>T, p.Ser441= (NM_001167734.2).
Identifiers: ClinVar variation 384984 (VCV000384984.7), dbSNP rs528281614, ClinGen allele CA3705851.

ClinVar aggregate classification (germline): Likely benign. Review status: criteria provided, multiple submitters, no conflicts (2 of 4 stars). 4 submissions from 4 submitters: Likely benign (3). 1 of the submissions does not count toward it. Last evaluated 2024-06-12.

Conditions:
VARS2-related disorder. Also called: VARS2-related disorders; VARS2-related condition.

Allele frequency attached by ClinVar (database versions not stated): gnomAD exomes 0.00008 and 0.00010; 1000 Genomes Project 30x 0.00016; ExAC 0.00018; 1000 Genomes Project 0.00020; TOPMed 0.00003; gnomAD 0.00005.
gnomAD v4.1: 120 of 1,592,504 alleles (0.0075%); highest among the groups gnomAD compares: Non-Finnish European, 0.008%; no homozygotes.

Submissions (4):

Blueprint Genetics
Classification: Likely benign. Last evaluated: 2024-06-12. Review status: criteria provided, single submitter. Criteria: ACMG Guidelines, 2015. Collection method: clinical testing. Allele origin: germline.

Labcorp Genetics (formerly Invitae), Labcorp
Classification: Likely benign. Last evaluated: 2024-01-06. Review status: criteria provided, single submitter. Criteria: Invitae Variant Classification Sherloc (09022015). Collection method: clinical testing. Allele origin: germline.

GeneDx
Classification: Likely benign. Last evaluated: 2016-04-13. Review status: criteria provided, single submitter. Criteria: GeneDx Variant Classification (06012015). Collection method: clinical testing. Allele origin: germline. Affected: yes.
Comment: This variant is considered likely benign or benign based on one or more of the following criteria: it is a conservative change, it occurs at a poorly conserved position in the protein, it is predicted to be benign by multiple in silico algorithms, and/or has population frequency not consistent with disease.

PreventionGenetics, part of Exact Sciences
Classification: Likely benign for VARS2-related condition. Last evaluated: 2020-05-11. Review status: no assertion criteria provided. Collection method: clinical testing. Allele origin: germline. Not counted in ClinVar's aggregate classification.
Comment: This variant is classified as likely benign based on ACMG/AMP sequence variant interpretation guidelines (Richards et al. 2015 PMID: 25741868, with internal and published modifications).